The following is an entry in ClinVar:

NM_020832.3(ZNF687):c.3643C>T (p.Leu1215Phe)

Gene: ZNF687 (zinc finger protein 687; plus strand). Cytogenetic location: 1q21.3.
Variant type: single nucleotide variant.
Coding change: c.3643C>T on transcript NM_020832.3 (MANE Select); coding-DNA position 3643, C replaced by T.
Protein change: p.Leu1215Phe; replaces leucine 1215 with phenylalanine.
Molecular consequence: missense variant.
Genome position (GRCh38, 1-based): chr1:151,291,138, C>T. VCF-style: chr1-151291138-C-T. GRCh37 (hg19) VCF-style: chr1-151263614-C-T.
Other names: c.3643C>T, p.Leu1215Phe (NM_001304763.2, NM_001304764.2); short protein forms L1215F.
Identifiers: ClinVar variation 2982762 (VCV002982762.3), dbSNP rs2528556599, ClinGen allele CA341965726.

ClinVar aggregate classification (germline): Uncertain significance (1 of 4 stars; one submission).

Submission:

Labcorp Genetics (formerly Invitae), Labcorp
Classification: Uncertain significance. Last evaluated: 2025-03-17. Review status: criteria provided, single submitter. Criteria: Invitae Variant Classification Sherloc (09022015). Collection method: clinical testing. Allele origin: germline.
Comment: This sequence change replaces leucine, which is neutral and non-polar, with phenylalanine, which is neutral and non-polar, at codon 1215 of the ZNF687 protein (p.Leu1215Phe). This variant is not present in population databases (gnomAD no frequency). This variant has not been reported in the literature in individuals affected with ZNF687-related conditions. ClinVar contains an entry for this variant (Variation ID: 2982762). An algorithm developed to predict the effect of missense changes on protein structure and function (PolyPhen-2) suggests that this variant is likely to be disruptive. In summary, the available evidence is currently insufficient to determine the role of this variant in disease. Therefore, it has been classified as a Variant of Uncertain Significance.